The following is an entry in ClinVar:

ClinVar aggregate classification (germline): Conflicting classifications of pathogenicity. Review status: criteria provided, conflicting classifications (1 of 4 stars). 2 submissions from 1 submitter: Likely pathogenic (1); Uncertain significance (1). Last evaluated 2022-08-20.

Conditions:
Generalized juvenile polyposis/juvenile polyposis coli. Also called: Juvenile polyposis coli. Identifiers: Orphanet 329971, MedGen C1868081, MONDO:0008276.
Juvenile polyposis syndrome (JPS). Identifiers: Orphanet 2929, MedGen C0345893, MONDO:0017380, OMIM 174900.

Submissions (2):

Labcorp Genetics (formerly Invitae), Labcorp
Classification: Uncertain significance for Juvenile polyposis syndrome. Last evaluated: 2022-08-20. Review status: criteria provided, single submitter. Criteria: Invitae Variant Classification Sherloc (09022015). Collection method: clinical testing. Allele origin: germline.
Comment: In summary, the available evidence is currently insufficient to determine the role of this variant in disease. Therefore, it has been classified as a Variant of Uncertain Significance. Experimental studies and prediction algorithms are not available or were not evaluated, and the functional significance of this variant is currently unknown. This variant has not been reported in the literature in individuals affected with BMPR1A-related conditions. This variant is a gross deletion that occurs in a non-coding region of the BMPR1A gene. It does not change the encoded amino acid sequence of the BMPR1A protein.

Labcorp Genetics (formerly Invitae), Labcorp
Classification: Likely pathogenic for Juvenile polyposis syndrome. Last evaluated: 2019-02-16. Review status: criteria provided, single submitter. Criteria: Invitae Variant Classification Sherloc (09022015). Collection method: clinical testing. Allele origin: germline.
Comment: This variant is a gross deletion of the genomic region encompassing the promoter of the BMPR1A gene. The 5' end of this event is unknown as it extends beyond the assayed region for this gene, and therefore may encompass additional genes. The 3' boundary is likely confined to the region between non-coding exon 1 and non-coding exon 2. A genomic deletion involving the promoter (non-coding exon 1) region has been reported to segregate with BMPR1A-related disease in a single family (PMID: 20843829). A similar deletion involving the promoter region has also been reported an individual with congenital heart defect who was pending for juvenile polyposis (JP) screening (PMID: 22067610). Experimental studies have shown that deletion of this promoter region impairs the transcription of a reporter gene in vitro, and protein samples derived from individuals carrying this variant showed reduced BMPR1A protein levels compared to a control sample (PMID: 20843829). In summary, the currently available evidence indicates that the variant is pathogenic, but additional data are needed to prove that conclusively. Therefore, this variant has been classified as Likely Pathogenic.

Literature cited by the submitters: PubMed 22067610; PubMed 20843829.

NC_000010.11:g.(?_86838866)_(86838981_?)del

Gene: BMPR1A (bone morphogenetic protein receptor type 1A; plus strand). Cytogenetic location: 10q23.2.
Variant type: Deletion.
Identifiers: ClinVar variation 830794 (VCV000830794.8).